The following is an entry in ClinVar:

NM_014629.4(ARHGEF10):c.534G>C (p.Glu178Asp)

Gene: ARHGEF10 (Rho guanine nucleotide exchange factor 10; plus strand). Cytogenetic location: 8p23.3.
Variant type: single nucleotide variant.
Coding change: c.534G>C on transcript NM_014629.4 (MANE Select); coding-DNA position 534, G replaced by C.
Protein change: p.Glu178Asp; replaces glutamic acid 178 with aspartic acid.
Molecular consequence: missense variant.
Genome position (GRCh38, 1-based): chr8:1,864,425, G>C. VCF-style: chr8-1864425-G-C. GRCh37 (hg19) VCF-style: chr8-1812591-G-C.
Other names: c.537G>C, p.Glu179Asp (NM_001308152.2, NM_001308153.3); short protein forms E178D, E179D, E203D.
Identifiers: ClinVar variation 2658295 (VCV002658295.24), dbSNP rs2536942126, ClinGen allele CA369956786.

ClinVar aggregate classification (germline): Uncertain significance (1 of 4 stars; one submission).

Submission:

CeGaT Center for Human Genetics Tuebingen
Classification: Uncertain significance. Last evaluated: 2022-10-01. Review status: criteria provided, single submitter. Criteria: CeGaT Center For Human Genetics Tuebingen Variant Classification Criteria Version 2. Collection method: clinical testing. Allele origin: germline. Affected: yes. Observed: 1 variant allele.
Comment: ARHGEF10: PM2, BP4